The following is an entry in ClinVar:

NM_020207.7(ERCC6L2):c.1945C>A (p.Gln649Lys)

Gene: ERCC6L2 (ERCC excision repair 6 like 2; plus strand). Cytogenetic location: 9q22.32.
Variant type: single nucleotide variant.
Coding change: c.1945C>A on transcript NM_020207.7 (MANE Select); coding-DNA position 1945, C replaced by A.
Protein change: p.Gln649Lys; replaces glutamine 649 with lysine.
Molecular consequence: missense variant. On other transcripts: non-coding transcript variant (1).
Genome position (GRCh38, 1-based): chr9:95,956,011, C>A. VCF-style: chr9-95956011-C-A. GRCh37 (hg19) VCF-style: chr9-98718293-C-A.
Other names: c.1945C>A, p.Gln649Lys (NM_001010895.4, NM_001375291.1, NM_001375292.1 and 2 more transcripts); short protein forms Q649K.
Identifiers: ClinVar variation 1060695 (VCV001060695.10), dbSNP rs1831582193, ClinGen allele CA374120735.
Genomic context (GRCh38, chr9:95,956,011, plus strand): 5'-CTTAGGCTGATATCCTTGGGAACTGTGGAGGAAATCATGTATTTACGACAGATATACAAG[C>A]AGGTAAATATGTTTCCCTTTTTCTGTTTCAGAGGTCAACATTTATCTGTTTTCAAAAATT-3'
Protein context (NP_064592.3, residues 639-659): EIMYLRQIYK[Gln649Lys]QLHCVVVGSE

ClinVar aggregate classification (germline): Uncertain significance. Review status: criteria provided, multiple submitters, no conflicts (2 of 4 stars). 2 submissions from 2 submitters: Uncertain significance (2). Last evaluated 2025-03-24.

Conditions:
Inborn genetic diseases. Identifiers: MedGen C0950123, MeSH D030342.

Allele frequency attached by ClinVar (database versions not stated): gnomAD exomes below 0.00001.
gnomAD v4.1: 1 of 1,563,244 alleles (0.000064%); highest among the groups gnomAD compares: Admixed American, 0.0019%; no homozygotes.

Submissions (2):

Ambry Genetics
Classification: Uncertain significance for Inborn genetic diseases. Last evaluated: 2025-03-24. Review status: criteria provided, single submitter. Criteria: Ambry Variant Classification Scheme 2023. Collection method: clinical testing. Allele origin: germline.
Comment: The p.Q649K variant (also known as c.1945C>A), located in coding exon 13 of the ERCC6L2 gene, results from a C to A substitution at nucleotide position 1945. The glutamine at codon 649 is replaced by lysine, an amino acid with similar properties. This amino acid position is conserved. In addition, the in silico prediction for this alteration is inconclusive. Based on the available evidence, the clinical significance of this variant remains unclear.

Labcorp Genetics (formerly Invitae), Labcorp
Classification: Uncertain significance. Last evaluated: 2025-01-09. Review status: criteria provided, single submitter. Criteria: Invitae Variant Classification Sherloc (09022015). Collection method: clinical testing. Allele origin: germline.
Comment: This sequence change replaces glutamine, which is neutral and polar, with lysine, which is basic and polar, at codon 660 of the ERCC6L2 protein (p.Gln660Lys). This variant is not present in population databases (gnomAD no frequency). This variant has not been reported in the literature in individuals affected with ERCC6L2-related conditions. ClinVar contains an entry for this variant (Variation ID: 1060695). Experimental studies and prediction algorithms are not available or were not evaluated, and the functional significance of this variant is currently unknown. In summary, the available evidence is currently insufficient to determine the role of this variant in disease. Therefore, it has been classified as a Variant of Uncertain Significance.